The following is an entry in ClinVar:

NM_000350.3(ABCA4):c.1243A>G (p.Asn415Asp)

Gene: ABCA4 (ATP binding cassette subfamily A member 4; minus strand). Cytogenetic location: 1p22.1.
Variant type: single nucleotide variant.
Coding change: c.1243A>G on transcript NM_000350.3 (MANE Select); coding-DNA position 1243, A replaced by G.
Protein change: p.Asn415Asp; replaces asparagine 415 with aspartic acid.
Molecular consequence: missense variant.
Genome position (GRCh38, 1-based): chr1:94,078,703, T>C on the plus strand (A>G on the coding strand, the complement: ABCA4 is on the minus strand). VCF-style: chr1-94078703-T-C. GRCh37 (hg19) VCF-style: chr1-94544259-T-C.
Other names: c.1243A>G, p.Asn415Asp (NM_001425324.1); short protein forms N415D.
Identifiers: ClinVar variation 2097676 (VCV002097676.4), dbSNP rs1279729551, ClinGen allele CA341282496.

ClinVar aggregate classification (germline): Uncertain significance (1 of 4 stars; one submission).

Allele frequency attached by ClinVar (database versions not stated): TOPMed below 0.00001; gnomAD 0.00001.
gnomAD v4.1: 4 of 1,611,262 alleles (0.00025%); highest among the groups gnomAD compares: Non-Finnish European, 0.00034%; no homozygotes.

Submission:

Labcorp Genetics (formerly Invitae), Labcorp
Classification: Uncertain significance. Last evaluated: 2022-02-23. Review status: criteria provided, single submitter. Criteria: Invitae Variant Classification Sherloc (09022015). Collection method: clinical testing. Allele origin: germline.
Comment: This sequence change replaces asparagine, which is neutral and polar, with aspartic acid, which is acidic and polar, at codon 415 of the ABCA4 protein (p.Asn415Asp). This variant is present in population databases (no rsID available, gnomAD 0.0009%). This variant has not been reported in the literature in individuals affected with ABCA4-related conditions. Advanced modeling of protein sequence and biophysical properties (such as structural, functional, and spatial information, amino acid conservation, physicochemical variation, residue mobility, and thermodynamic stability) performed at Invitae indicates that this missense variant is expected to disrupt ABCA4 protein function. In summary, the available evidence is currently insufficient to determine the role of this variant in disease. Therefore, it has been classified as a Variant of Uncertain Significance.